The following is an entry in ClinVar:

ClinVar aggregate classification (germline): Uncertain significance (1 of 4 stars; one submission).

Allele frequency attached by ClinVar (database versions not stated): gnomAD exomes below 0.00001 and 0.00001.
gnomAD v4.1: 2 of 1,553,952 alleles (0.00013%); highest among the groups gnomAD compares: Admixed American, 0.0039%; no homozygotes.

Submission:

Labcorp Genetics (formerly Invitae), Labcorp
Classification: Uncertain significance. Last evaluated: 2025-01-15. Review status: criteria provided, single submitter. Criteria: Invitae Variant Classification Sherloc (09022015). Collection method: clinical testing. Allele origin: germline.
Comment: This sequence change replaces leucine, which is neutral and non-polar, with phenylalanine, which is neutral and non-polar, at codon 10 of the COL7A1 protein (p.Leu10Phe). The frequency data for this variant in the population databases is considered unreliable, as metrics indicate poor data quality at this position in the gnomAD database. This variant has not been reported in the literature in individuals affected with COL7A1-related conditions. ClinVar contains an entry for this variant (Variation ID: 1515134). Invitae Evidence Modeling of protein sequence and biophysical properties (such as structural, functional, and spatial information, amino acid conservation, physicochemical variation, residue mobility, and thermodynamic stability) indicates that this missense variant is not expected to disrupt COL7A1 protein function with a negative predictive value of 95%. In summary, the available evidence is currently insufficient to determine the role of this variant in disease. Therefore, it has been classified as a Variant of Uncertain Significance.

NM_000094.4(COL7A1):c.28C>T (p.Leu10Phe)

Gene: COL7A1 (collagen type VII alpha 1 chain; minus strand). Cytogenetic location: 3p21.31.
Variant type: single nucleotide variant.
Coding change: c.28C>T on transcript NM_000094.4 (MANE Select); coding-DNA position 28, C replaced by T.
Protein change: p.Leu10Phe; replaces leucine 10 with phenylalanine.
Molecular consequence: missense variant.
Genome position (GRCh38, 1-based): chr3:48,595,132, G>A on the plus strand (C>T on the coding strand, the complement: COL7A1 is on the minus strand). VCF-style: chr3-48595132-G-A. GRCh37 (hg19) VCF-style: chr3-48632565-G-A.
Other names: short protein forms L10F.
Identifiers: ClinVar variation 1515134 (VCV001515134.7), dbSNP rs1346272373, ClinGen allele CA352750558.
Genomic context (GRCh38, chr3:48,595,132, plus strand): 5'-CACCTCTCTCCCTGTGCTGGGCTCGCACTCGGGGCGCCTCTGCCAGGATCCCGGCGCAGA[G>A]CGCGGCCACCAGAAGCCGCAGCGTCATCCTAGGCAGTAAAAGCCGTCAGCTAGGACCCCC-3'
Protein context (NP_000085.1, residues 1-20): MTLRLLVAA[Leu10Phe]CAGILAEAPR